The following is an entry in ClinVar:

NM_001278716.2(FBXL4):c.540T>G (p.Pro180=)

Gene: FBXL4 (F-box and leucine rich repeat protein 4; minus strand). Cytogenetic location: 6q16.2.
Variant type: single nucleotide variant.
Coding change: c.540T>G on transcript NM_001278716.2 (MANE Select); coding-DNA position 540, T replaced by G.
Protein change: p.Pro180=; no amino-acid change (proline 180 retained).
Molecular consequence: synonymous variant.
Genome position (GRCh38, 1-based): chr6:98,917,692, A>C on the plus strand (T>G on the coding strand, the complement: FBXL4 is on the minus strand). VCF-style: chr6-98917692-A-C. GRCh37 (hg19) VCF-style: chr6-99365568-A-C.
Other names: c.540T>G, p.Pro180= (NM_012160.5).
Identifiers: ClinVar variation 437593 (VCV000437593.10), dbSNP rs760238524, ClinGen allele CA3933661.

ClinVar aggregate classification (germline): Conflicting classifications of pathogenicity. Review status: criteria provided, conflicting classifications (1 of 4 stars). 3 submissions from 3 submitters: Uncertain significance (1); Likely benign (2). Last evaluated 2026-01-26.

Conditions:
Mitochondrial DNA depletion syndrome 13. Also called: Mitochondrial DNA depletion syndrome 13 (encephalomyopathic type); FBXL4-Related Encephalomyopathic Mitochondrial DNA Depletion Syndrome. Identifiers: Orphanet 369897, MedGen C3809592, MONDO:0014198, OMIM 615471.

Allele frequency attached by ClinVar (database versions not stated): gnomAD 0.00003; TOPMed 0.00005; ExAC 0.00006.
gnomAD v4.1: 202 of 1,608,708 alleles (0.013%); highest among the groups gnomAD compares: Non-Finnish European, 0.016%; no homozygotes.

Submissions (3):

Labcorp Genetics (formerly Invitae), Labcorp
Classification: Likely benign. Last evaluated: 2026-01-26. Review status: criteria provided, single submitter. Criteria: Invitae Variant Classification Sherloc (09022015). Collection method: clinical testing. Allele origin: germline.

Blueprint Genetics
Classification: Likely benign. Last evaluated: 2024-09-27. Review status: criteria provided, single submitter. Criteria: ACMG Guidelines, 2015. Collection method: clinical testing. Allele origin: germline.

Wong Mito Lab, Molecular and Human Genetics, Baylor College of Medicine
Classification: Uncertain significance for Mitochondrial DNA depletion syndrome 13. Last evaluated: 2017-08-10. Review status: criteria provided, single submitter. Criteria: ACMG Guidelines, 2015. Collection method: reference population. Allele origin: germline.
Comment: The NM_012160.4:c.540T>G (NP_036292.2:p.Pro180=) [GRCH38: NC_000006.12:g.98917692A>C] variant in FBXL4 gene is interpretated to be a Uncertain Significance - Conflicting Evidence based on ACMG guidelines (PMID: 25741868). This variant meets one or more of the following evidence codes reported in the ACMG-guideline. PM2:This variant is absent in key population databases. BP4:Computational evidence/predictors indicate no impact on the FBXL4 structure, function, or protein-protein interaction. BP7:The variant is silent with non predicted splice impact. Based on this evidence code ClinGen Pathogenicity Calculator (PMID:28081714) suggested that the variant is Uncertain Significance - Conflicting Evidence.